The following is an entry in ClinVar:

ClinVar aggregate classification (germline): Conflicting classifications of pathogenicity. Review status: criteria provided, conflicting classifications (1 of 4 stars). 23 submissions from 19 submitters: Uncertain significance (3); Benign (9); Likely benign (6). 5 of the submissions do not count toward it. Last evaluated 2026-09-01.

Conditions:
Cardiovascular phenotype. Identifiers: MedGen CN230736.
TTN-related disorder. Also called: TTN-related disorders; TTN-related condition; TTN-related disease.
Autosomal recessive limb-girdle muscular dystrophy type 2J (LGMDR10). Also called: Limb-girdle muscular dystrophy, type 2J; MUSCULAR DYSTROPHY, LIMB-GIRDLE, AUTOSOMAL RECESSIVE 10. Identifiers: Orphanet 140922, MedGen C1837342, MONDO:0012127, OMIM 608807.
Dilated cardiomyopathy 1G (CMD1G). Identifiers: Orphanet 154, MedGen C1858763, MONDO:0011400, OMIM 604145.
Cardiomyopathy (CMYO). Also called: Cardiomyopathies. Identifiers: Orphanet 167848, MedGen C0878544, MONDO:0004994, HP:0001638. Inheritance: Various modes of inheritance.
Early-onset myopathy with fatal cardiomyopathy (CMYO5). Also called: Salih Myopathy; CONGENITAL MYOPATHY 5 WITH CARDIOMYOPATHY. Identifiers: Orphanet 289377, MedGen C2673677, MONDO:0012714, OMIM 611705. Disease mechanism: loss of function.
Myopathy, myofibrillar, 9, with early respiratory failure (MFM9). Also called: EDSTROM MYOPATHY; MYOPATHY, PROXIMAL, WITH EARLY RESPIRATORY MUSCLE INVOLVEMENT; Hereditary myopathy with early respiratory failure; Myopathy, distal, with early respiratory failure, autosomal dominant. Identifiers: Orphanet 178464, Orphanet 34521, MedGen C1863599, MONDO:0011362, OMIM 603689.
Tibial muscular dystrophy (TMD). Also called: Udd Distal Myopathy – Tibial Muscular Dystrophy; Tibial muscular dystrophy, tardive; UDD MYOPATHY. Identifiers: Orphanet 609, MedGen C1838244, MONDO:0010870, OMIM 600334.

Allele frequency attached by ClinVar (database versions not stated): gnomAD 0.00062 and 0.00074; ESP Exome Variant Server 0.00067; gnomAD exomes 0.00074; TOPMed 0.00094; ExAC 0.00096; 1000 Genomes Project 0.00160; 1000 Genomes Project 30x 0.00187.
gnomAD v4.1: 1,074 of 1,610,838 alleles (0.067%); highest among the groups gnomAD compares: Admixed American, 0.082%; 2 homozygotes.

Submissions (23):

CeGaT Center for Human Genetics Tuebingen
Classification: Likely benign. Last evaluated: 2026-09-01. Review status: criteria provided, single submitter. Criteria: CeGaT Center For Human Genetics Tuebingen Variant Classification Criteria Version 2. Collection method: clinical testing. Allele origin: germline. Affected: yes. Observed: 19 variant alleles.
Comment: TTN: BP4, BP7

Labcorp Genetics (formerly Invitae), Labcorp
Classification: Benign for Dilated cardiomyopathy 1G; Autosomal recessive limb-girdle muscular dystrophy type 2J. Last evaluated: 2026-01-25. Review status: criteria provided, single submitter. Criteria: Invitae Variant Classification Sherloc (09022015). Collection method: clinical testing. Allele origin: germline.

Mayo Clinic Laboratories, Mayo Clinic
Classification: Benign. Last evaluated: 2025-10-20. Review status: criteria provided, single submitter. Criteria: ACMG Guidelines, 2015. Collection method: clinical testing. Allele origin: germline. Observed: 3 variant alleles.
Comment: BS1, BS2, BP4, BP5, BP7

Molecular Diagnostic Laboratory for Inherited Cardiovascular Disease, Montreal Heart Institute
Classification: Benign. Last evaluated: 2025-04-09. Review status: criteria provided, single submitter. Criteria: ACMG Guidelines, 2015. Collection method: clinical testing. Allele origin: germline. Affected: no.

ARUP Laboratories, Molecular Genetics and Genomics, ARUP Laboratories
Classification: Likely benign. Last evaluated: 2025-02-28. Review status: criteria provided, single submitter. Criteria: ARUP Molecular Germline Variant Investigation Process 2024. Collection method: clinical testing. Allele origin: germline.

Athena Diagnostics
Classification: Benign. Last evaluated: 2025-01-07. Review status: criteria provided, single submitter. Criteria: Athena Diagnostics Criteria. Collection method: clinical testing. Allele origin: unknown.
Comment: The frequency of this variant in the general population is higher than would generally be expected for pathogenic variants in this gene. Computational tools yielded predictions that this variant is unlikely to have an effect on normal RNA splicing. This nucleotide position exhibits low evolutionary conservation.

Blueprint Genetics
Classification: Likely benign. Last evaluated: 2024-10-07. Review status: criteria provided, single submitter. Criteria: ACMG Guidelines, 2015. Collection method: clinical testing. Allele origin: germline.

Women's Health and Genetics/Laboratory Corporation of America, LabCorp
Classification: Benign. Last evaluated: 2020-11-30. Review status: criteria provided, single submitter. Criteria: LabCorp Variant Classification Summary - May 2015. Collection method: clinical testing. Allele origin: germline.

Illumina Laboratory Services, Illumina
Classification: Uncertain significance for Early-onset myopathy with fatal cardiomyopathy. Last evaluated: 2018-01-13. Review status: criteria provided, single submitter. Criteria: ICSL Variant Classification Criteria 13 December 2019. Collection method: clinical testing. Allele origin: germline.

Illumina Laboratory Services, Illumina
Classification: Uncertain significance for Dilated cardiomyopathy 1G. Last evaluated: 2018-01-13. Review status: criteria provided, single submitter. Criteria: ICSL Variant Classification Criteria 13 December 2019. Collection method: clinical testing. Allele origin: germline.

Illumina Laboratory Services, Illumina
Classification: Benign for Myopathy, myofibrillar, 9, with early respiratory failure. Last evaluated: 2018-01-13. Review status: criteria provided, single submitter. Criteria: ICSL Variant Classification Criteria 13 December 2019. Collection method: clinical testing. Allele origin: germline.
Comment: This variant was observed in the ICSL laboratory as part of a predisposition screen in an ostensibly healthy population. It had not been previously curated by ICSL or reported in the Human Gene Mutation Database (HGMD: prior to June 1st, 2018), and was therefore a candidate for classification through an automated scoring system. Utilizing variant allele frequency, disease prevalence and penetrance estimates, and inheritance mode, an automated score was calculated to assess if this variant is too frequent to cause the disease. Based on the score and internal cut-off values, a variant classified as benign is not then subjected to further curation. The score for this variant resulted in a classification of benign for this disease.

Illumina Laboratory Services, Illumina
Classification: Uncertain significance for Autosomal recessive limb-girdle muscular dystrophy type 2J. Last evaluated: 2018-01-13. Review status: criteria provided, single submitter. Criteria: ICSL Variant Classification Criteria 13 December 2019. Collection method: clinical testing. Allele origin: germline.

Illumina Laboratory Services, Illumina
Classification: Benign for Tibial muscular dystrophy. Last evaluated: 2018-01-13. Review status: criteria provided, single submitter. Criteria: ICSL Variant Classification Criteria 13 December 2019. Collection method: clinical testing. Allele origin: germline.
Comment: the same text as in the submission from Illumina Laboratory Services, Illumina above.

CHEO Genetics Diagnostic Laboratory, Children's Hospital of Eastern Ontario
Classification: Benign for Cardiomyopathy. Last evaluated: 2017-11-29. Review status: criteria provided, single submitter. Criteria: ACMG Guidelines, 2015. Collection method: clinical testing. Allele origin: germline.

Eurofins Ntd Llc (ga)
Classification: Likely benign. Last evaluated: 2015-09-15. Review status: criteria provided, single submitter. Criteria: EGL Classification Definitions 2015. Collection method: clinical testing. Allele origin: germline. Observed: 1 variant allele, 1 heterozygote.

Laboratory for Molecular Medicine, Mass General Brigham Personalized Medicine
Classification: Likely benign. Last evaluated: 2015-04-09. Review status: criteria provided, single submitter. Criteria: LMM Criteria. Collection method: clinical testing. Allele origin: germline. Observed: 3 variant alleles.
Comment: p.Gly15733Gly in Exon 232 of TTN: This variant is not expected to have clinical significance because it does not alter an amino acid residue, is not located wit hin the splice consensus sequence. It has been identified in 0.1% (77/53852) of European chromosomes by the Exome Aggregation Consortium (ExAC; dbSNP rs190830121).

GeneDx
Classification: Benign. Last evaluated: 2015-03-03. Review status: criteria provided, single submitter. Criteria: GeneDx Variant Classification Process June 2021. Collection method: clinical testing. Allele origin: germline. Affected: yes.

Ambry Genetics
Classification: Likely benign for Cardiovascular phenotype. Last evaluated: 2013-01-09. Review status: criteria provided, single submitter. Criteria: Ambry Autosomal Dominant and X-Linked criteria (10/2015). Collection method: clinical testing. Allele origin: germline. Observed: 1 variant allele.

PreventionGenetics, part of Exact Sciences
Classification: Likely benign for TTN-related condition. Last evaluated: 2022-05-22. Review status: no assertion criteria provided. Collection method: clinical testing. Allele origin: germline. Not counted in ClinVar's aggregate classification.
Comment: This variant is classified as likely benign based on ACMG/AMP sequence variant interpretation guidelines (Richards et al. 2015 PMID: 25741868, with internal and published modifications).

Clinical Genetics DNA and cytogenetics Diagnostics Lab, Erasmus MC, Erasmus Medical Center
Classification: Likely benign. Review status: no assertion criteria provided. Collection method: clinical testing. Allele origin: germline. Affected: yes. Study: VKGL Data-share Consensus. Not counted in ClinVar's aggregate classification.

Clinical Genetics, Academic Medical Center
Classification: Benign. Review status: no assertion criteria provided. Collection method: clinical testing. Allele origin: germline. Affected: yes. Study: VKGL Data-share Consensus. Not counted in ClinVar's aggregate classification.

Diagnostic Laboratory, Department of Genetics, University Medical Center Groningen
Classification: Likely benign. Review status: no assertion criteria provided. Collection method: clinical testing. Allele origin: germline. Affected: yes. Study: VKGL Data-share Consensus. Not counted in ClinVar's aggregate classification.

Joint Genome Diagnostic Labs from Nijmegen and Maastricht, Radboudumc and MUMC+
Classification: Likely benign. Review status: no assertion criteria provided. Collection method: clinical testing. Allele origin: germline. Affected: yes. Study: VKGL Data-share Consensus. Not counted in ClinVar's aggregate classification.

NM_001267550.2(TTN):c.54903C>G (p.Gly18301=)

Genes: TTN (titin; minus strand), TTN-AS1 (TTN antisense RNA 1; plus strand). Cytogenetic location: 2q31.2.
Variant type: single nucleotide variant.
Coding change: c.54903C>G on transcript NM_001267550.2 (MANE Select); coding-DNA position 54903, C replaced by G.
Protein change: p.Gly18301=; no amino-acid change (glycine 18301 retained).
Molecular consequence: synonymous variant.
Genome position (GRCh38, 1-based): chr2:178,602,499, G>C on the plus strand (C>G on the coding strand, the complement: TTN is on the minus strand). VCF-style: chr2-178602499-G-C. GRCh37 (hg19) VCF-style: chr2-179467226-G-C.
Other names: p.Gly16660=; c.49980C>G, p.Gly16660= (NM_001256850.1); c.27708C>G, p.Gly9236= (NM_003319.4); c.28083C>G, p.Gly9361= (NM_133432.3); c.28284C>G, p.Gly9428= (NM_133437.4); c.47199C>G, p.Gly15733= (NM_133378.4).
Identifiers: ClinVar variation 165971 (VCV000165971.73), dbSNP rs190830121, ClinGen allele CA178721.